The following is an entry in ClinVar:

ClinVar aggregate classification (germline): Benign/Likely benign. Review status: criteria provided, multiple submitters, no conflicts (2 of 4 stars). 2 submissions from 2 submitters: Benign (1); Likely benign (1). Last evaluated 2025-03-21.

Conditions:
Juvenile polyposis/hereditary hemorrhagic telangiectasia syndrome (JPHT). Also called: JP/HHT SYNDROME; JUVENILE POLYPOSIS WITH HEREDITARY HEMORRHAGIC TELANGIECTASIA; POLYPOSIS, GENERALIZED JUVENILE, WITH PULMONARY ARTERIOVENOUS MALFORMATION; TELANGIECTASIA, HEREDITARY HEMORRHAGIC, WITH JUVENILE POLYPOSIS COLI; Juvenile Polyposis Syndrome / Hereditary Hemorrhagic Telangiectasia (JPS/HHT). Identifiers: Orphanet 2929, MedGen C1832942, MONDO:0008278, OMIM 175050.
Juvenile polyposis syndrome (JPS). Identifiers: Orphanet 2929, MedGen C0345893, MONDO:0017380, OMIM 174900.

Submissions (2):

Myriad Genetics, Inc.
Classification: Benign for Juvenile polyposis/hereditary hemorrhagic telangiectasia syndrome. Last evaluated: 2025-03-21. Review status: criteria provided, single submitter. Criteria: Myriad Autosomal Dominant, Autosomal Recessive and X-Linked Classification Criteria (2023). Collection method: clinical testing. Allele origin: unknown.
Comment: This variant is considered benign. This variant is a silent/synonymous amino acid change and it is not expected to impact splicing.

Labcorp Genetics (formerly Invitae), Labcorp
Classification: Likely benign for Juvenile polyposis syndrome. Last evaluated: 2024-08-08. Review status: criteria provided, single submitter. Criteria: Invitae Variant Classification Sherloc (09022015). Collection method: clinical testing. Allele origin: germline.

NM_005359.6(SMAD4):c.1269A>T (p.Gly423=)

Gene: SMAD4 (SMAD family member 4; plus strand). Cytogenetic location: 18q21.2.
Variant type: single nucleotide variant.
Coding change: c.1269A>T on transcript NM_005359.6 (MANE Select); coding-DNA position 1269, A replaced by T.
Protein change: p.Gly423=; no amino-acid change (glycine 423 retained).
Molecular consequence: synonymous variant. On other transcripts: non-coding transcript variant (1).
Genome position (GRCh38, 1-based): chr18:51,067,148, A>T. VCF-style: chr18-51067148-A-T. GRCh37 (hg19) VCF-style: chr18-48593518-A-T.
Other names: c.1269A>T, p.Gly423= (NM_001407041.1, NM_001407042.1).
Identifiers: ClinVar variation 3661252 (VCV003661252.3).